The following is an entry in ClinVar:

NM_001009944.3(PKD1):c.12473T>C (p.Met4158Thr)

Gene: PKD1 (polycystin 1, transient receptor potential channel interacting; minus strand). Cytogenetic location: 16p13.3.
Variant type: single nucleotide variant.
Coding change: c.12473T>C on transcript NM_001009944.3 (MANE Select); coding-DNA position 12473, T replaced by C.
Protein change: p.Met4158Thr; replaces methionine 4158 with threonine.
Molecular consequence: missense variant.
Genome position (GRCh38, 1-based): chr16:2,090,166, A>G on the plus strand (T>C on the coding strand, the complement: PKD1 is on the minus strand). VCF-style: chr16-2090166-A-G. GRCh37 (hg19) VCF-style: chr16-2140167-A-G.
Other names: c.12470T>C, p.Met4157Thr (NM_000296.4); c.12473T>C (NM_001009944.2); short protein forms M4157T, M4158T.
Identifiers: ClinVar variation 807951 (VCV000807951.49), dbSNP rs201035636, ClinGen allele CA7828584.

ClinVar aggregate classification (germline): Conflicting classifications of pathogenicity. Review status: criteria provided, conflicting classifications (1 of 4 stars). 7 submissions from 7 submitters: Uncertain significance (3); Likely benign (3). 1 of the submissions does not count toward it. Last evaluated 2026-06-26.

Conditions:
PKD1-related disorder. Also called: PKD1-related condition.
Polycystic kidney disease. Also called: Kidney, Polycystic; Polycystic kidney dysplasia. Identifiers: MedGen C0022680, MeSH D007690, MONDO:0020642, HP:0000113.
Polycystic kidney disease, adult type (PKD1). Also called: Polycystic Kidney, Autosomal Dominant; Polycystic Kidney Disease 1, Autosomal Dominant; Polycystic kidney disease 1; Polycystic kidney disease 1, severe; POLYCYSTIC KIDNEY DISEASE, ADULT, TYPE I; POLYCYSTIC KIDNEY DISEASE 1 WITH OR WITHOUT POLYCYSTIC LIVER DISEASE. Identifiers: MedGen C3149841, MONDO:0008263, OMIM 173900.

Allele frequency attached by ClinVar (database versions not stated): gnomAD exomes 0.00007 and 0.00013; ESP Exome Variant Server 0.00008; gnomAD 0.00009; ExAC 0.00010; TOPMed 0.00012.
gnomAD v4.1: 119 of 1,599,504 alleles (0.0074%); highest among the groups gnomAD compares: Middle Eastern, 0.083%; no homozygotes.

Submissions (7):

GeneDx
Classification: Uncertain significance. Last evaluated: 2026-06-26. Review status: criteria provided, single submitter. Criteria: GeneDx Variant Classification Process June 2021. Collection method: clinical testing. Allele origin: germline.
Comment: Has been observed in as paternally inherited in patient with prenatal onset of cysts that were confirmed postnatally but resolved over time; this variant did not appear to segregate with the phenotype in this family as the mother was reported as affected (PMID: 33168999); Has also been reported previously in an individual with Alstrom syndrome who was also homozygous for an ALMS1 variant (PMID: 28272210); In silico analysis supports that this missense variant has a deleterious effect on protein structure/function; This variant is associated with the following publications: (PMID: 28272210, 33168999)

PreventionGenetics, part of Exact Sciences
Classification: Uncertain significance for PKD1-related condition. Last evaluated: 2025-12-30. Review status: criteria provided, single submitter. Criteria: ACMG Guidelines, 2015. Collection method: clinical testing. Allele origin: germline.
Comment: The PKD1 c.12473T>C variant is predicted to result in the amino acid substitution p.Met4158Thr. This variant has been reported in a prenatal case of very early onset polycystic kidney disease and suggested to be a possible hypomorphic allele (Durkie et al. 2021. PubMed ID: 33168999). By itself, this type of variant may cause no disease or only relatively mild disease. However, in combination with other pathogenic variants, it may contribute to disease severity. This variant is reported in 0.11% of alleles in individuals of Ashkenazi Jewish descent in gnomAD. Although we suspect that this variant may be benign, at this time, the clinical significance of this variant is uncertain due to the absence of conclusive functional and genetic evidence.

Women's Health and Genetics/Laboratory Corporation of America, LabCorp
Classification: Uncertain significance. Last evaluated: 2025-10-21. Review status: criteria provided, single submitter. Criteria: LabCorp Variant Classification Summary - May 2015. Collection method: clinical testing. Allele origin: germline.
Comment: Variant summary: PKD1 c.12473T>C (p.Met4158Thr) results in a non-conservative amino acid change in the encoded protein sequence. Algorithms developed to predict the effect of missense changes on protein structure and function are either unavailable or do not agree on the potential impact of this missense change. The variant allele was found at a frequency of 0.00013 in 235186 control chromosomes (gnomAD). This frequency is not significantly higher than estimated for disease-causing variants in PKD1, allowing no conclusion about variant significance. c.12473T>C has been observed in an individual with very early onset Polycystic Kidney Disease and was inherited paternally, but no second variant was identified from their affected mother (Durkie_2021). This report does not provide unequivocal conclusions about association of the variant with PKD1-related conditions. To our knowledge, no experimental evidence demonstrating an impact on protein function has been reported. The following publications have been ascertained in the context of this evaluation (PMID: 28272210, 33168999). ClinVar contains an entry for this variant (Variation ID: 807951). Based on the evidence outlined above, the variant was classified as uncertain significance.

Fulgent Genetics
Classification: Likely benign for Polycystic kidney disease, adult type. Last evaluated: 2024-02-24. Review status: criteria provided, single submitter. Criteria: ACMG Guidelines, 2015. Collection method: clinical testing. Allele origin: germline.

CeGaT Center for Human Genetics Tuebingen
Classification: Likely benign. Last evaluated: 2018-10-01. Review status: criteria provided, single submitter. Criteria: CeGaT Center For Human Genetics Tuebingen Variant Classification Criteria Version 2. Collection method: clinical testing. Allele origin: germline. Affected: yes. Observed: 1 variant allele.

Breakthrough Genomics
Classification: Likely benign. Review status: criteria provided, single submitter. Criteria: ACMG Guidelines, 2015. Collection method: not provided. Allele origin: germline. Inheritance: Autosomal dominant inheritance. Affected: yes.

Department of Pathology and Laboratory Medicine, Sinai Health System
Classification: Uncertain significance for Polycystic Kidney disease. Review status: no assertion criteria provided. Collection method: clinical testing. Allele origin: unknown. Affected: yes. Study: The Canadian Open Genetics Repository (COGR). Not counted in ClinVar's aggregate classification.
Comment: PKD1, EXON46, c.12473T>C, p.Met4158Thr, Heterozygous, Uncertain SignificancernThe PKD1 p.Met4158Thr variant was not identified in the literature nor was it identified in the following databases: ClinVar, LOVD 3.0, or PKD1-LOVD. The variant was identified in dbSNP (ID: rs201035636), and ADPKD Mutation Database (as Indeterminate). The variant was identified in control databases in 30 of 232604 chromosomes at a frequency of 0.0001 increasing the likelihood this could be a low frequency benign variant (Genome Aggregation Database Feb 27, 2017). The variant was observed in the following populations: Latino in 8 of 32802 chromosomes (freq: 0.0002), European in 12 of 104488 chromosomes (freq: 0.0001), Ashkenazi Jewish in 10 of 8782 chromosomes (freq: 0.001); it was not observed in the African, Other, East Asian, Finnish, and South Asian populations. The p.Met4158 residue is conserved across mammals and other organisms, and computational analyses (PolyPhen-2, SIFT, AlignGVGD, BLOSUM, MutationTaster) suggest that the variant may impact the protein; however, this information is not predictive enough to assume pathogenicity. The variant occurs outside of the splicing consensus sequence and in silico or computational prediction software programs (SpliceSiteFinder, MaxEntScan, NNSPLICE, GeneSplicer) do not predict a difference in splicing. In summary, based on the above information the clinical significance of this variant cannot be determined with certainty at this time. This variant is classified as a variant of uncertain significance. Assessment Date: 2019/06/26.

Literature cited by the submitters: PubMed 33168999 (cited by Women's Health and Genetics/Laboratory Corporation of America, LabCorp); PubMed 28272210 (cited by Women's Health and Genetics/Laboratory Corporation of America, LabCorp).